The following is an entry in ClinVar:

NM_019032.6(ADAMTSL4):c.902C>T (p.Pro301Leu)

Genes: ADAMTSL4 (ADAMTS like 4; plus strand), ADAMTSL4-AS2 (ADAMTSL4 antisense RNA 2; minus strand). Cytogenetic location: 1q21.2.
Variant type: single nucleotide variant.
Coding change: c.902C>T on transcript NM_019032.6 (MANE Select); coding-DNA position 902, C replaced by T.
Protein change: p.Pro301Leu; replaces proline 301 with leucine.
Molecular consequence: missense variant.
Genome position (GRCh38, 1-based): chr1:150,553,893, C>T. VCF-style: chr1-150553893-C-T. GRCh37 (hg19) VCF-style: chr1-150526369-C-T.
Other names: c.902C>T, p.Pro301Leu (NM_001288607.2, NM_001288608.2, NM_001378596.1 and 1 more transcripts); short protein forms P301L.
Identifiers: ClinVar variation 3676423 (VCV003676423.1).

ClinVar aggregate classification (germline): Uncertain significance (1 of 4 stars; one submission).

gnomAD v4.1: 5 of 1,613,706 alleles (0.00031%); highest among the groups gnomAD compares: Admixed American, 0.0033%; no homozygotes.

Submission:

Labcorp Genetics (formerly Invitae), Labcorp
Classification: Uncertain significance. Last evaluated: 2025-01-27. Review status: criteria provided, single submitter. Criteria: Invitae Variant Classification Sherloc (09022015). Collection method: clinical testing. Allele origin: germline.
Comment: This sequence change replaces proline, which is neutral and non-polar, with leucine, which is neutral and non-polar, at codon 301 of the ADAMTSL4 protein (p.Pro301Leu). This variant is present in population databases (no rsID available, gnomAD 0.003%). This variant has not been reported in the literature in individuals affected with ADAMTSL4-related conditions. Invitae Evidence Modeling of protein sequence and biophysical properties (such as structural, functional, and spatial information, amino acid conservation, physicochemical variation, residue mobility, and thermodynamic stability) indicates that this missense variant is not expected to disrupt ADAMTSL4 protein function with a negative predictive value of 80%. In summary, the available evidence is currently insufficient to determine the role of this variant in disease. Therefore, it has been classified as a Variant of Uncertain Significance.